The following is an entry in ClinVar:

ClinVar aggregate classification (germline): Benign (1 of 4 stars; one submission).

Conditions:
Familial adenomatous polyposis 1 (FAP1). Also called: POLYPOSIS, ADENOMATOUS INTESTINAL; FAMILIAL ADENOMATOUS POLYPOSIS 1, ATTENUATED. Identifiers: MedGen C2713442, MONDO:0021056, OMIM 175100. Disease mechanism: loss of function.

Submission:

Myriad Genetics, Inc.
Classification: Benign for Familial adenomatous polyposis 1. Last evaluated: 2024-04-03. Review status: criteria provided, single submitter. Criteria: Myriad Autosomal Dominant, Autosomal Recessive and X-Linked Classification Criteria (2023). Collection method: clinical testing. Allele origin: unknown.
Comment: This variant is considered benign. This variant is a silent/synonymous amino acid change and it is not expected to impact splicing.

NM_000038.6(APC):c.6165A>G (p.Arg2055=)

Gene: APC (APC regulator of Wnt signaling pathway; plus strand). Cytogenetic location: 5q22.2.
Variant type: single nucleotide variant.
Coding change: c.6165A>G on transcript NM_000038.6 (MANE Select); coding-DNA position 6165, A replaced by G.
Protein change: p.Arg2055=; no amino-acid change (arginine 2055 retained).
Molecular consequence: synonymous variant. On other transcripts: non-coding transcript variant (2).
Genome position (GRCh38, 1-based): chr5:112,841,759, A>G. VCF-style: chr5-112841759-A-G. GRCh37 (hg19) VCF-style: chr5-112177456-A-G.
Other names: c.6165A>G, p.Arg2055= (NM_001127510.3, NM_001354895.2, NM_001407450.1); c.6111A>G, p.Arg2037= (NM_001127511.3); c.6219A>G, p.Arg2073= (NM_001354896.2, NM_001407447.1, NM_001407448.1 and 1 more transcripts); c.6195A>G, p.Arg2065= (NM_001354897.2); c.6090A>G, p.Arg2030= (NM_001354898.2); c.6081A>G, p.Arg2027= (NM_001354899.2); c.6042A>G, p.Arg2014= (NM_001354900.2); c.5988A>G, p.Arg1996= (NM_001354901.2, NM_001407453.1); and 11 more.
Identifiers: ClinVar variation 3253974 (VCV003253974.1), dbSNP rs2149958650.